The following is an entry in ClinVar:

NC_000002.11:g.(?_166856213)_(166868812_?)dup

Gene: SCN1A (sodium voltage-gated channel alpha subunit 1; minus strand). Cytogenetic location: 2q24.3.
Variant type: Duplication.
Identifiers: ClinVar variation 2423912 (VCV002423912.4).

ClinVar aggregate classification (germline): Uncertain significance (1 of 4 stars; one submission).

Conditions:
Developmental and epileptic encephalopathy. Identifiers: MedGen C5779964, MONDO:0100620.

Submission:

Labcorp Genetics (formerly Invitae), Labcorp
Classification: Uncertain significance for Early-infantile DEE. Last evaluated: 2022-08-15. Review status: criteria provided, single submitter. Criteria: Invitae Variant Classification Sherloc (09022015). Collection method: clinical testing. Allele origin: germline.
Comment: In summary, the available evidence is currently insufficient to determine the role of this variant in disease. Therefore, it has been classified as a Variant of Uncertain Significance. Experimental studies and prediction algorithms are not available or were not evaluated, and the functional significance of this variant is currently unknown. This variant has not been reported in the literature in individuals affected with SCN1A-related conditions. This variant results in a copy number gain of the genomic region encompassing exon(s) 19-22 of the SCN1A gene. While the exact position of this variant cannot be determined from the data, sub-genic copy number gains are generally in tandem (PMID: 25640679). This variant is predicted to be in-frame, and likely preserves the integrity of the reading frame.

Literature cited by the submitters: PubMed 25640679.